The following is an entry in ClinVar:

NM_000540.3(RYR1):c.8311A>G (p.Ile2771Val)

Genes: RYR1 (ryanodine receptor 1; plus strand), LOC126862902 (BRD4-independent group 4 enhancer GRCh37_chr19:38995830-38997029; plus strand). Cytogenetic location: 19q13.2.
Variant type: single nucleotide variant.
Coding change: c.8311A>G on transcript NM_000540.3 (MANE Select); coding-DNA position 8311, A replaced by G.
Protein change: p.Ile2771Val; replaces isoleucine 2771 with valine.
Molecular consequence: missense variant.
Genome position (GRCh38, 1-based): chr19:38,505,309, A>G. VCF-style: chr19-38505309-A-G. GRCh37 (hg19) VCF-style: chr19-38995949-A-G.
Other names: c.8311A>G, p.Ile2771Val (NM_001042723.2); short protein forms I2771V.
Identifiers: ClinVar variation 4756809 (VCV004756809.1).

ClinVar aggregate classification (germline): Uncertain significance (1 of 4 stars; one submission).

Conditions:
Malignant hyperthermia, susceptibility to, 1 (MHS1). Also called: RYR1-Related Malignant Hyperthermia Susceptibility; Malignant hyperthermia suceptibility 1; Anesthesia related hyperthermia; Malignant hyperpyrexia; Fulminating hyperpyrexia; Pharmacogenic myopathy. Identifiers: Orphanet 423, MedGen C2930980, MONDO:0007783, OMIM 145600.

Submission:

Color Diagnostics, LLC DBA Color Health
Classification: Uncertain significance for Malignant hyperthermia, susceptibility to, 1. Last evaluated: 2025-06-23. Review status: criteria provided, single submitter. Criteria: ACMG Guidelines, 2015. Collection method: clinical testing. Allele origin: germline.
Comment: This missense variant replaces isoleucine with valine at codon 2771 of the RYR1 protein. Computational prediction suggests that this variant may not impact protein structure and function. To our knowledge, functional studies have not been reported for this variant. This variant has not been reported in individuals affected with RYR1-related disorders in the literature. This variant has not been identified in the general population by the Genome Aggregation Database (gnomAD). The available evidence is insufficient to determine the role of this variant in disease conclusively. Therefore, this variant is classified as a Variant of Uncertain Significance.